The following is an entry in ClinVar:

NM_182961.4(SYNE1):c.12872C>T (p.Ala4291Val)

Gene: SYNE1 (spectrin repeat containing nuclear envelope protein 1; minus strand). Cytogenetic location: 6q25.2.
Variant type: single nucleotide variant.
Coding change: c.12872C>T on transcript NM_182961.4 (MANE Select); coding-DNA position 12872, C replaced by T.
Protein change: p.Ala4291Val; replaces alanine 4291 with valine.
Molecular consequence: missense variant.
Genome position (GRCh38, 1-based): chr6:152,331,813, G>A on the plus strand (C>T on the coding strand, the complement: SYNE1 is on the minus strand). VCF-style: chr6-152331813-G-A. GRCh37 (hg19) VCF-style: chr6-152652948-G-A.
Other names: c.12659C>T, p.Ala4220Val (NM_033071.5); short protein forms A4220V, A4291V.
Identifiers: ClinVar variation 432754 (VCV000432754.22), dbSNP rs151250199, ClinGen allele CA4056297.

ClinVar aggregate classification (germline): Uncertain significance. Review status: criteria provided, multiple submitters, no conflicts (2 of 4 stars). 7 submissions from 7 submitters: Uncertain significance (7). Last evaluated 2026-01-16.

Conditions:
Inborn genetic diseases. Identifiers: MedGen C0950123, MeSH D030342.
Emery-Dreifuss muscular dystrophy 4, autosomal dominant (EDMD4). Also called: EMERY-DREIFUSS MUSCULAR DYSTROPHY 4 WITH VARIABLE FEATURES. Identifiers: Orphanet 261, MedGen C2751807, MONDO:0013071, OMIM 612998.
Autosomal recessive ataxia, Beauce type. Also called: Spinocerebellar ataxia, autosomal recessive 8; SYNE1-Related Autosomal Recessive Cerebellar Ataxia; SYNE1 Deficiency; ATAXIA, RECESSIVE, OF BEAUCE. Identifiers: Orphanet 88644, MedGen C1853116, MONDO:0012549, OMIM 610743.

Allele frequency attached by ClinVar (database versions not stated): gnomAD exomes 0.00005; gnomAD 0.00007 and 0.00008; TOPMed 0.00015; ESP Exome Variant Server 0.00015; ExAC 0.00006.
gnomAD v4.1: 30 of 1,613,972 alleles (0.0019%); highest among the groups gnomAD compares: African/African-American, 0.033%; no homozygotes.

Submissions (7):

Dasa
Classification: Uncertain significance for Autosomal recessive ataxia, Beauce type. Last evaluated: 2026-01-16. Review status: criteria provided, single submitter. Criteria: DASA Assertion Criteria. Collection method: clinical testing. Allele origin: germline.
Comment: NM_182961.4(SYNE1):c.12872C>T (p.Ala4291Val) is a missense variant that results in the substitution of alanine with valine. This variant is rare in population databases. Computational prediction algorithms are consistent with a benign effect. The currently available literature and clinical evidence are not sufficient to establish a definitive association between this variant and the reported condition. Therefore, this variant is classified as a variant of uncertain significance.

Labcorp Genetics (formerly Invitae), Labcorp
Classification: Uncertain significance for Emery-Dreifuss muscular dystrophy 4, autosomal dominant; Autosomal recessive ataxia, Beauce type. Last evaluated: 2025-09-23. Review status: criteria provided, single submitter. Criteria: Invitae Variant Classification Sherloc (09022015). Collection method: clinical testing. Allele origin: germline.
Comment: This sequence change replaces alanine, which is neutral and non-polar, with valine, which is neutral and non-polar, at codon 4220 of the SYNE1 protein (p.Ala4220Val). This variant is present in population databases (rs151250199, gnomAD 0.06%). This variant has not been reported in the literature in individuals affected with SYNE1-related conditions. ClinVar contains an entry for this variant (Variation ID: 432754). An algorithm developed to predict the effect of missense changes on protein structure and function (PolyPhen-2) suggests that this variant is likely to be tolerated. In summary, the available evidence is currently insufficient to determine the role of this variant in disease. Therefore, it has been classified as a Variant of Uncertain Significance.

GeneDx
Classification: Uncertain significance. Last evaluated: 2025-07-22. Review status: criteria provided, single submitter. Criteria: GeneDx Variant Classification Process June 2021. Collection method: clinical testing. Allele origin: germline. Affected: yes.
Comment: In silico analysis suggests that this missense variant does not alter protein structure/function; Has not been previously published as pathogenic or benign to our knowledge

Women's Health and Genetics/Laboratory Corporation of America, LabCorp
Classification: Uncertain significance. Last evaluated: 2024-12-02. Review status: criteria provided, single submitter. Criteria: LabCorp Variant Classification Summary - May 2015. Collection method: clinical testing. Allele origin: germline.
Comment: Variant summary: SYNE1 c.12659C>T (p.Ala4220Val) results in a non-conservative amino acid change in the encoded protein sequence. Four of five in-silico tools predict a benign effect of the variant on protein function. The variant allele was found at a frequency of 4.8e-05 in 251342 control chromosomes. This frequency is not significantly higher than estimated for a pathogenic variant in SYNE1 causing Autosomal recessive ataxia, Beauce type (4.8e-05 vs 0.0011), allowing no conclusion about variant significance. To our knowledge, no occurrence of c.12659C>T in individuals affected with Autosomal recessive ataxia, Beauce type and no experimental evidence demonstrating its impact on protein function have been reported. ClinVar contains an entry for this variant (Variation ID: 432754). Based on the evidence outlined above, the variant was classified as uncertain significance.

Ambry Genetics
Classification: Uncertain significance for Inborn genetic diseases. Last evaluated: 2021-11-15. Review status: criteria provided, single submitter. Criteria: Ambry Variant Classification Scheme 2023. Collection method: clinical testing. Allele origin: germline.

Revvity Omics, Revvity
Classification: Uncertain significance. Last evaluated: 2019-06-20. Review status: criteria provided, single submitter. Criteria: ACMG Guidelines, 2015. Collection method: clinical testing. Allele origin: germline.

Eurofins Ntd Llc (ga)
Classification: Uncertain significance. Last evaluated: 2016-11-30. Review status: criteria provided, single submitter. Criteria: EGL Classification Definitions 2015. Collection method: clinical testing. Allele origin: germline. Observed: 1 variant allele, 1 heterozygote.